The following is an entry in ClinVar:

ClinVar aggregate classification (germline): Conflicting classifications of pathogenicity. Review status: criteria provided, conflicting classifications (1 of 4 stars). 4 submissions from 1 submitter: Uncertain significance (1); Likely benign (3). Last evaluated 2017-04-27.

Conditions:
Café-au-lait macules with pulmonary stenosis (WTSN). Also called: PULMONIC STENOSIS WITH CAFE-AU-LAIT SPOTS. Identifiers: MedGen C0553586, MONDO:0008672, OMIM 193520.
Neurofibromatosis, familial spinal (FSNF). Identifiers: Orphanet 636, MedGen C1834235, MONDO:0008078, OMIM 162210. Disease mechanism: loss of function.
Neurofibromatosis-Noonan syndrome (NFNS). Also called: NEUROFIBROMATOSIS WITH NOONAN PHENOTYPE. Identifiers: Orphanet 638, MedGen C2931482, MONDO:0011035, OMIM 601321. Disease mechanism: loss of function.
Neurofibromatosis, type 1 (NF1). Also called: VON RECKLINGHAUSEN DISEASE; NEUROFIBROMATOSIS, TYPE I, SOMATIC; Peripheral type neurofibromatosis; Neurofibromatosis, type I. Identifiers: Orphanet 636, MedGen C0027831, MONDO:0018975, OMIM 162200. Disease mechanism: loss of function.

Allele frequency attached by ClinVar (database versions not stated): 1000 Genomes Project 0.00479; 1000 Genomes Project 30x 0.00515; TOPMed 0.00671.
gnomAD v4.1: 1,370 of 234,128 alleles (0.59%); highest among the groups gnomAD compares: East Asian, 1.3%; 7 homozygotes.

Submissions (4):

Illumina Laboratory Services, Illumina
Classification: Likely benign for Neurofibromatosis, familial spinal. Last evaluated: 2017-04-27. Review status: criteria provided, single submitter. Criteria: ICSL Variant Classification Criteria 13 December 2019. Collection method: clinical testing. Allele origin: germline.
Comment: This variant was observed as part of a predisposition screen in an ostensibly healthy population. A literature search was performed for the gene, cDNA change, and amino acid change (where applicable). No publications were found based on this search. Allele frequency data from public databases allowed determination this variant is unlikely to cause disease. Therefore, this variant is classified as likely benign.

Illumina Laboratory Services, Illumina
Classification: Likely benign for Café-au-lait macules with pulmonary stenosis. Last evaluated: 2017-04-27. Review status: criteria provided, single submitter. Criteria: ICSL Variant Classification Criteria 13 December 2019. Collection method: clinical testing. Allele origin: germline.
Comment: the same text as in the submission from Illumina Laboratory Services, Illumina above.

Illumina Laboratory Services, Illumina
Classification: Likely benign for Neurofibromatosis, type 1. Last evaluated: 2017-04-27. Review status: criteria provided, single submitter. Criteria: ICSL Variant Classification Criteria 13 December 2019. Collection method: clinical testing. Allele origin: germline.
Comment: the same text as in the submission from Illumina Laboratory Services, Illumina above.

Illumina Laboratory Services, Illumina
Classification: Uncertain significance for Neurofibromatosis-Noonan syndrome. Last evaluated: 2017-04-27. Review status: criteria provided, single submitter. Criteria: ICSL Variant Classification Criteria 13 December 2019. Collection method: clinical testing. Allele origin: germline.

NM_001042492.3(NF1):c.*584G>C

Gene: NF1 (neurofibromin 1; plus strand). Cytogenetic location: 17q11.2.
Variant type: single nucleotide variant.
Coding change: c.*584G>C on transcript NM_001042492.3 (MANE Select); 584 bases downstream of the stop codon, G replaced by C.
Molecular consequence: 3 prime UTR variant.
Genome position (GRCh38, 1-based): chr17:31,374,739, G>C. VCF-style: chr17-31374739-G-C. GRCh37 (hg19) VCF-style: chr17-29701757-G-C.
Other names: c.*584G>C (NM_000267.4).
Identifiers: ClinVar variation 891376 (VCV000891376.4), dbSNP rs190144445, ClinGen allele CA289712564.